The following is an entry in ClinVar:

ClinVar aggregate classification (germline): Uncertain significance (1 of 4 stars; one submission).

Conditions:
2-aminoadipic 2-oxoadipic aciduria (AAKAD). Also called: ALPHA-AMINOADIPIC AND ALPHA-KETOADIPIC ACIDURIA; Aminoadipic aciduria. Identifiers: Orphanet 79154, MedGen C1859817, MONDO:0008774, OMIM 204750.

Allele frequency attached by ClinVar (database versions not stated): gnomAD exomes below 0.00001.
gnomAD v4.1: 6 of 1,614,228 alleles (0.00037%); highest among the groups gnomAD compares: Non-Finnish European, 0.00051%; no homozygotes.

Submission:

Labcorp Genetics (formerly Invitae), Labcorp
Classification: Uncertain significance for 2-aminoadipic 2-oxoadipic aciduria. Last evaluated: 2021-12-09. Review status: criteria provided, single submitter. Criteria: Invitae Variant Classification Sherloc (09022015). Collection method: clinical testing. Allele origin: germline.
Comment: In summary, the available evidence is currently insufficient to determine the role of this variant in disease. Therefore, it has been classified as a Variant of Uncertain Significance. Algorithms developed to predict the effect of missense changes on protein structure and function (SIFT, PolyPhen-2, Align-GVGD) all suggest that this variant is likely to be tolerated. This variant has not been reported in the literature in individuals affected with DHTKD1-related conditions. This variant is present in population databases (no rsID available, gnomAD 0.0009%). This sequence change replaces tyrosine, which is neutral and polar, with histidine, which is basic and polar, at codon 484 of the DHTKD1 protein (p.Tyr484His).

NM_018706.7(DHTKD1):c.1450T>C (p.Tyr484His)

Gene: DHTKD1 (dehydrogenase E1 and transketolase domain containing 1; plus strand). Cytogenetic location: 10p14.
Variant type: single nucleotide variant.
Coding change: c.1450T>C on transcript NM_018706.7 (MANE Select); coding-DNA position 1450, T replaced by C.
Protein change: p.Tyr484His; replaces tyrosine 484 with histidine.
Molecular consequence: missense variant.
Genome position (GRCh38, 1-based): chr10:12,097,775, T>C. VCF-style: chr10-12097775-T-C. GRCh37 (hg19) VCF-style: chr10-12139774-T-C.
Other names: short protein forms Y484H.
Identifiers: ClinVar variation 1449819 (VCV001449819.6), dbSNP rs922732733, ClinGen allele CA202585999.